The following is an entry in ClinVar:

NM_138694.4(PKHD1):c.5060T>C (p.Ile1687Thr)

Genes: PKHD1 (PKHD1 ciliary IPT domain containing fibrocystin/polyductin; minus strand), LOC126859690 (MED14-independent group 3 enhancer GRCh37_chr6:51888848-51890047; plus strand). Cytogenetic location: 6p12.2.
Variant type: single nucleotide variant.
Coding change: c.5060T>C on transcript NM_138694.4 (MANE Select); coding-DNA position 5060, T replaced by C.
Protein change: p.Ile1687Thr; replaces isoleucine 1687 with threonine.
Molecular consequence: missense variant.
Genome position (GRCh38, 1-based): chr6:52,024,750, A>G on the plus strand (T>C on the coding strand, the complement: PKHD1 is on the minus strand). VCF-style: chr6-52024750-A-G. GRCh37 (hg19) VCF-style: chr6-51889548-A-G.
Other names: c.5060T>C, p.Ile1687Thr (NM_170724.3); short protein forms I1687T.
Identifiers: ClinVar variation 196807 (VCV000196807.26), dbSNP rs794727566, ClinGen allele CA244193.

ClinVar aggregate classification (germline): Pathogenic/Likely pathogenic. Review status: criteria provided, multiple submitters, no conflicts (2 of 4 stars). 7 submissions from 7 submitters: Pathogenic (3); Likely pathogenic (4). Last evaluated 2026-07-23.

Conditions:
Polycystic kidney disease 4 (PKD4). Also called: PKD3; POLYCYSTIC KIDNEY DISEASE 4 WITH OR WITHOUT POLYCYSTIC LIVER DISEASE; Autosomal Recessive Polycystic Kidney Disease – PKHD1; POLYCYSTIC KIDNEY AND HEPATIC DISEASE 1; POLYCYSTIC KIDNEY DISEASE, INFANTILE, TYPE I. Identifiers: MedGen C4540575, MONDO:0033004, OMIM 263200.
Autosomal recessive polycystic kidney disease (ARPKD). Also called: AR polycystic kidney disease. Identifiers: Orphanet 731, Orphanet 8378, MedGen C0085548, MeSH D017044, MONDO:0009889.

Allele frequency attached by ClinVar (database versions not stated): gnomAD exomes 0.00001; TOPMed below 0.00001; gnomAD 0.00001.
gnomAD v4.1: 8 of 1,614,062 alleles (0.0005%); highest among the groups gnomAD compares: Middle Eastern, 0.016%; no homozygotes.

Submissions (7):

GeneDx
Classification: Likely pathogenic. Last evaluated: 2026-07-23. Review status: criteria provided, single submitter. Criteria: GeneDx Variant Classification Process June 2021. Collection method: clinical testing. Allele origin: germline.
Comment: Not observed at significant frequency in large population cohorts (gnomAD); In silico analysis supports that this missense variant has a deleterious effect on protein structure/function; This variant is associated with the following publications: (PMID: 32574212, 42353922, 36573973, 15698423)

Natera, Inc.
Classification: Likely pathogenic for Autosomal recessive polycystic kidney disease. Last evaluated: 2025-12-29. Review status: criteria provided, single submitter. Criteria: Natera Variant Classification Schema (03/2026). Collection method: clinical testing. Allele origin: germline.
Comment: The c.5060T>C variant in PKHD1 is a missense variant predicted to cause substitution of isoleucine to threonine at amino acid 1687. This variant is rare in the general population with a frequency below the threshold expected for the associated phenotype(s). This variant has been observed in one or more individuals affected with the associated recessive disease, as either homozygous or compound heterozygous with a second variant (PMID: 33940108, 15698423). Additionally, this variant has been observed to segregate in affected family members (PMID: 15698423). Computational prediction algorithms indicate this variant is likely to affect gene or protein function. Given the available evidence, this variant is classified as Likely Pathogenic.

Department of Pathology and Laboratory Medicine, Sinai Health System
Classification: Likely pathogenic for Polycystic kidney disease 4. Last evaluated: 2025-02-19. Review status: criteria provided, single submitter. Criteria: ACMG Guidelines, 2015. Collection method: clinical testing. Allele origin: germline.

Labcorp Genetics (formerly Invitae), Labcorp
Classification: Pathogenic for Autosomal recessive polycystic kidney disease. Last evaluated: 2024-01-29. Review status: criteria provided, single submitter. Criteria: Invitae Variant Classification Sherloc (09022015). Collection method: clinical testing. Allele origin: germline.
Comment: This sequence change replaces isoleucine, which is neutral and non-polar, with threonine, which is neutral and polar, at codon 1687 of the PKHD1 protein (p.Ile1687Thr). This variant is present in population databases (rs794727566, gnomAD 0.003%). This missense change has been observed in individuals with polycystic kidney disease (PMID: 15698423, 15706593, 32574212; Invitae). ClinVar contains an entry for this variant (Variation ID: 196807). Advanced modeling of protein sequence and biophysical properties (such as structural, functional, and spatial information, amino acid conservation, physicochemical variation, residue mobility, and thermodynamic stability) performed at Invitae indicates that this missense variant is expected to disrupt PKHD1 protein function with a positive predictive value of 95%. For these reasons, this variant has been classified as Pathogenic.

Baylor Genetics
Classification: Pathogenic for Polycystic kidney disease 4. Last evaluated: 2023-06-06. Review status: criteria provided, single submitter. Criteria: ACMG Guidelines, 2015. Collection method: clinical testing. Allele origin: unknown.

Revvity Omics, Revvity
Classification: Likely pathogenic for Polycystic kidney disease 4. Last evaluated: 2020-05-01. Review status: criteria provided, single submitter. Criteria: ACMG Guidelines, 2015. Collection method: clinical testing. Allele origin: germline.

Eurofins Ntd Llc (ga)
Classification: Pathogenic. Last evaluated: 2015-07-21. Review status: criteria provided, single submitter. Criteria: EGL Classification Definitions. Collection method: clinical testing. Allele origin: germline. Observed: 2 variant alleles, 2 heterozygotes.

Literature cited by the submitters: PubMed 33940108 (cited by Natera, Inc.); PubMed 15698423 (cited by 3 submitters); PubMed 32574212 (cited by Department of Pathology and Laboratory Medicine, Sinai Health System and Labcorp Genetics (formerly Invitae), Labcorp); PubMed 15706593 (cited by Labcorp Genetics (formerly Invitae), Labcorp).